The following is an entry in ClinVar:

ClinVar aggregate classification (germline): Uncertain significance (1 of 4 stars; one submission).

Conditions:
Hereditary factor IX deficiency disease (HEMB). Also called: F9 DEFICIENCY; FACTOR IX DEFICIENCY; PLASMA THROMBOPLASTIN COMPONENT DEFICIENCY; Hemophilia B; Christmas Disease. Identifiers: Orphanet 98879, MedGen C0008533, MeSH D002836, MONDO:0010604, OMIM 306900.
Thrombophilia, X-linked, due to factor 9 defect. Identifiers: MedGen C2749016, MONDO:0010432, OMIM 300807.

Allele frequency attached by ClinVar (database versions not stated): gnomAD 0.00002; gnomAD exomes 0.00001.
gnomAD v4.1: 14 of 1,188,745 alleles (0.0012%); highest among the groups gnomAD compares: Non-Finnish European, 0.0016%; 1 homozygote.

Submission:

Labcorp Genetics (formerly Invitae), Labcorp
Classification: Uncertain significance for Thrombophilia, X-linked, due to factor 9 defect; Hereditary factor IX deficiency disease. Last evaluated: 2020-09-10. Review status: criteria provided, single submitter. Criteria: Invitae Variant Classification Sherloc (09022015). Collection method: clinical testing. Allele origin: germline.
Comment: This sequence change falls in intron 2 of the F9 gene. It does not directly change the encoded amino acid sequence of the F9 protein, but it affects a nucleotide within the consensus splice site of the intron. This variant is not present in population databases (ExAC no frequency). This variant has not been reported in the literature in individuals with F9-related conditions. Nucleotide substitutions within the consensus splice site are a relatively common cause of aberrant splicing (PMID: 17576681, 9536098). Algorithms developed to predict the effect of sequence changes on RNA splicing suggest that this variant is not likely to affect RNA splicing, but this prediction has not been confirmed by published transcriptional studies. In summary, the available evidence is currently insufficient to determine the role of this variant in disease. Therefore, it has been classified as a Variant of Uncertain Significance.

Literature cited by the submitters: PubMed 17576681; PubMed 9536098.

NM_000133.4(F9):c.253-3T>C

Gene: F9 (coagulation factor IX; plus strand). Cytogenetic location: Xq27.1.
Variant type: single nucleotide variant.
Coding change: c.253-3T>C on transcript NM_000133.4 (MANE Select); 3 bases into the intron before coding-DNA position 253, T replaced by C.
Molecular consequence: intron variant.
Genome position (GRCh38, 1-based): chrX:139,537,359, T>C. VCF-style: chrX-139537359-T-C. GRCh37 (hg19) VCF-style: chrX-138619518-T-C.
Other names: c.253-3T>C (NM_001313913.2).
Identifiers: ClinVar variation 2169695 (VCV002169695.1), dbSNP rs1374440076, ClinGen allele CA518859875.